The following is an entry in ClinVar:

NM_005591.4(MRE11):c.168G>C (p.Leu56Phe)

Gene: MRE11 (MRE11 double strand break repair nuclease; minus strand). Cytogenetic location: 11q21.
Variant type: single nucleotide variant.
Coding change: c.168G>C on transcript NM_005591.4 (MANE Select); coding-DNA position 168, G replaced by C.
Protein change: p.Leu56Phe; replaces leucine 56 with phenylalanine.
Molecular consequence: missense variant.
Genome position (GRCh38, 1-based): chr11:94,486,070, C>G on the plus strand (G>C on the coding strand, the complement: MRE11 is on the minus strand). VCF-style: chr11-94486070-C-G. GRCh37 (hg19) VCF-style: chr11-94219236-C-G.
Other names: c.168G>C, p.Leu56Phe (NM_001330347.2, NM_005590.4); short protein forms L56F.
Identifiers: ClinVar variation 3397878 (VCV003397878.1).

ClinVar aggregate classification (germline): Uncertain significance (1 of 4 stars; one submission).

Conditions:
Hereditary cancer-predisposing syndrome. Also called: Hereditary Cancer Syndrome; Tumor predisposition; Hereditary neoplastic syndrome; Neoplastic Syndromes, Hereditary. Identifiers: Orphanet 140162, MedGen C0027672, MeSH D009386, MONDO:0015356.

Submission:

Ambry Genetics
Classification: Uncertain significance for Hereditary cancer-predisposing syndrome. Last evaluated: 2024-10-28. Review status: criteria provided, single submitter. Criteria: Ambry Variant Classification Scheme 2023. Collection method: clinical testing. Allele origin: germline.
Comment: The p.L56F variant (also known as c.168G>C), located in coding exon 3 of the MRE11A gene, results from a G to C substitution at nucleotide position 168. The leucine at codon 56 is replaced by phenylalanine, an amino acid with highly similar properties. This amino acid position is conserved. In addition, this alteration is predicted to be deleterious by in silico analysis. Based on the available evidence, the clinical significance of this variant remains unclear.